The following is an entry in ClinVar:

ClinVar aggregate classification (germline): Uncertain significance. Review status: criteria provided, multiple submitters, no conflicts (2 of 4 stars). 2 submissions from 2 submitters: Uncertain significance (2). Last evaluated 2024-11-05.

Conditions:
Mitochondrial complex I deficiency, nuclear type 1. Also called: NADH-COENZYME Q REDUCTASE DEFICIENCY; MITOCHONDRIAL NADH DEHYDROGENASE COMPONENT OF COMPLEX I, DEFICIENCY OF. Identifiers: MedGen C6022305, MONDO:0100224, OMIM 252010.

Allele frequency attached by ClinVar (database versions not stated): gnomAD exomes below 0.00001 and 0.00002; ExAC 0.00001; gnomAD 0.00001; TOPMed 0.00001.

Submissions (2):

Labcorp Genetics (formerly Invitae), Labcorp
Classification: Uncertain significance. Last evaluated: 2024-11-05. Review status: criteria provided, single submitter. Criteria: Invitae Variant Classification Sherloc (09022015). Collection method: clinical testing. Allele origin: germline.
Comment: This sequence change replaces methionine, which is neutral and non-polar, with valine, which is neutral and non-polar, at codon 94 of the NDUFS1 protein (p.Met94Val). This variant is present in population databases (rs763697779, gnomAD 0.004%). This variant has not been reported in the literature in individuals affected with NDUFS1-related conditions. ClinVar contains an entry for this variant (Variation ID: 1030871). Invitae Evidence Modeling of protein sequence and biophysical properties (such as structural, functional, and spatial information, amino acid conservation, physicochemical variation, residue mobility, and thermodynamic stability) has been performed for this missense variant. However, the output from this modeling did not meet the statistical confidence thresholds required to predict the impact of this variant on NDUFS1 protein function. In summary, the available evidence is currently insufficient to determine the role of this variant in disease. Therefore, it has been classified as a Variant of Uncertain Significance.

Baylor Genetics
Classification: Uncertain significance for Mitochondrial complex I deficiency, nuclear type 1. Last evaluated: 2019-07-20. Review status: criteria provided, single submitter. Criteria: ACMG Guidelines, 2015. Collection method: clinical testing. Allele origin: unknown. Affected: yes.
Comment: This variant was determined to be of uncertain significance according to ACMG Guidelines, 2015 [PMID:25741868].

NM_005006.7(NDUFS1):c.280A>G (p.Met94Val)

Gene: NDUFS1 (NADH:ubiquinone oxidoreductase core subunit S1; minus strand). Cytogenetic location: 2q33.3.
Variant type: single nucleotide variant.
Coding change: c.280A>G on transcript NM_005006.7 (MANE Select); coding-DNA position 280, A replaced by G.
Protein change: p.Met94Val; replaces methionine 94 with valine.
Molecular consequence: missense variant. On other transcripts: intron variant (1).
Genome position (GRCh38, 1-based): chr2:206,149,078, T>C on the plus strand (A>G on the coding strand, the complement: NDUFS1 is on the minus strand). VCF-style: chr2-206149078-T-C. GRCh37 (hg19) VCF-style: chr2-207013802-T-C.
Other names: c.172A>G, p.Met58Val (NM_001199981.2); c.109A>G, p.Met37Val (NM_001199983.2); c.322A>G, p.Met108Val (NM_001199984.2); c.6-1244A>G (NM_001199982.2); short protein forms M37V, M108V, M58V, M94V.
Identifiers: ClinVar variation 1030871 (VCV001030871.8), dbSNP rs763697779, ClinGen allele CA2070825.